The following is an entry in ClinVar:

NM_005422.4(TECTA):c.199-3T>C

Genes: TBCEL-TECTA (TBCEL-TECTA readthrough; plus strand), TECTA (tectorin alpha; plus strand). Cytogenetic location: 11q23.3.
Variant type: single nucleotide variant.
Coding change: c.199-3T>C on transcript NM_005422.4 (MANE Select); 3 bases into the intron before coding-DNA position 199, T replaced by C.
Molecular consequence: intron variant.
Genome position (GRCh38, 1-based): chr11:121,109,208, T>C. VCF-style: chr11-121109208-T-C. GRCh37 (hg19) VCF-style: chr11-120979917-T-C.
Other names: c.1156-3T>C (NM_001378761.1).
Identifiers: ClinVar variation 3051930 (VCV003051930.2), dbSNP rs373058788, ClinGen allele CA6326451.

ClinVar aggregate classification (germline): Likely benign (0 of 4 stars; one submission).

Conditions:
TECTA-related disorder. Also called: TECTA-related condition.

Allele frequency attached by ClinVar (database versions not stated): gnomAD 0.00001; ExAC 0.00004; gnomAD exomes 0.00004; TOPMed 0.00007; ESP Exome Variant Server 0.00008.
gnomAD v4.1: 58 of 1,614,038 alleles (0.0036%); highest among the groups gnomAD compares: Non-Finnish European, 0.0047%; no homozygotes.

Submission:

PreventionGenetics, part of Exact Sciences
Classification: Likely benign for TECTA-related condition. Last evaluated: 2020-02-14. Review status: no assertion criteria provided. Collection method: clinical testing. Allele origin: germline.
Comment: This variant is classified as likely benign based on ACMG/AMP sequence variant interpretation guidelines (Richards et al. 2015 PMID: 25741868, with internal and published modifications).